The following is an entry in ClinVar:

ClinVar aggregate classification (germline): Conflicting classifications of pathogenicity. Review status: criteria provided, conflicting classifications (1 of 4 stars). 3 submissions from 3 submitters: Uncertain significance (2); Likely benign (1). Last evaluated 2025-04-08.

Conditions:
Inborn genetic diseases. Identifiers: MedGen C0950123, MeSH D030342.

Allele frequency attached by ClinVar (database versions not stated): gnomAD exomes 0.00002; TOPMed 0.00002; gnomAD 0.00003; 1000 Genomes Project 30x 0.00016.
gnomAD v4.1: 31 of 1,612,702 alleles (0.0019%); highest among the groups gnomAD compares: Admixed American, 0.015%; no homozygotes.

Submissions (3):

Mayo Clinic Laboratories, Mayo Clinic
Classification: Uncertain significance. Last evaluated: 2025-04-08. Review status: criteria provided, single submitter. Criteria: ACMG Guidelines, 2015. Collection method: clinical testing. Allele origin: germline. Observed: 1 variant allele.
Comment: BP4_moderate

Labcorp Genetics (formerly Invitae), Labcorp
Classification: Uncertain significance. Last evaluated: 2025-03-17. Review status: criteria provided, single submitter. Criteria: Invitae Variant Classification Sherloc (09022015). Collection method: clinical testing. Allele origin: germline.
Comment: This sequence change replaces glycine, which is neutral and non-polar, with serine, which is neutral and polar, at codon 1629 of the CCDC88C protein (p.Gly1629Ser). The frequency data for this variant in the population databases is considered unreliable, as metrics indicate poor data quality at this position in the gnomAD database. This variant has not been reported in the literature in individuals affected with CCDC88C-related conditions. ClinVar contains an entry for this variant (Variation ID: 2198235). An algorithm developed to predict the effect of missense changes on protein structure and function outputs the following: PolyPhen-2: "Benign". The serine amino acid residue is found in multiple mammalian species, which suggests that this missense change does not adversely affect protein function. In summary, the available evidence is currently insufficient to determine the role of this variant in disease. Therefore, it has been classified as a Variant of Uncertain Significance.

Ambry Genetics
Classification: Likely benign for Inborn genetic diseases. Last evaluated: 2023-11-29. Review status: criteria provided, single submitter. Criteria: Ambry Variant Classification Scheme 2023. Collection method: clinical testing. Allele origin: germline.

NM_001080414.4(CCDC88C):c.4885G>A (p.Gly1629Ser)

Gene: CCDC88C (coiled-coil and HOOK domain protein 88C; minus strand). Cytogenetic location: 14q32.11.
Variant type: single nucleotide variant.
Coding change: c.4885G>A on transcript NM_001080414.4 (MANE Select); coding-DNA position 4885, G replaced by A.
Protein change: p.Gly1629Ser; replaces glycine 1629 with serine.
Molecular consequence: missense variant.
Genome position (GRCh38, 1-based): chr14:91,278,095, C>T on the plus strand (G>A on the coding strand, the complement: CCDC88C is on the minus strand). VCF-style: chr14-91278095-C-T. GRCh37 (hg19) VCF-style: chr14-91744439-C-T.
Other names: p.Gly1629Ser; c.4885G>A (NM_001080414.3); short protein forms G1629S.
Identifiers: ClinVar variation 2198235 (VCV002198235.4), dbSNP rs1285918522, ClinGen allele CA390612397.